The following is an entry in ClinVar:

NM_002608.4(PDGFB):c.433C>T (p.Gln145Ter)

Gene: PDGFB (platelet derived growth factor subunit B; minus strand). Cytogenetic location: 22q13.1.
Variant type: single nucleotide variant.
Coding change: c.433C>T on transcript NM_002608.4 (MANE Select); coding-DNA position 433, C replaced by T.
Protein change: p.Gln145Ter; replaces glutamine 145 with a stop codon.
Molecular consequence: nonsense.
Genome position (GRCh38, 1-based): chr22:39,231,645, G>A on the plus strand (C>T on the coding strand, the complement: PDGFB is on the minus strand). VCF-style: chr22-39231645-G-A. GRCh37 (hg19) VCF-style: chr22-39627650-G-A.
Other names: c.388C>T, p.Gln130Ter (NM_033016.3); short protein forms Q145*, Q130*.
Identifiers: ClinVar variation 75237 (VCV000075237.3), dbSNP rs397515631, ClinGen allele CA145260.

ClinVar aggregate classification (germline): Pathogenic. Review status: criteria provided, single submitter (1 of 4 stars). 2 submissions from 2 submitters: Pathogenic (1). 1 of the submissions does not count toward it. Last evaluated 2022-05-20.

Conditions:
Basal ganglia calcification, idiopathic, 5. Also called: PRIMARY FAMILIAL BRAIN CALCIFICATION 5, AUTOSOMAL DOMINANT. Identifiers: Orphanet 1980, MedGen C3809645, MONDO:0014204, OMIM 615483.

Allele frequency attached by ClinVar (database versions not stated): gnomAD 0.00001.

Submissions (2):

GeneDx
Classification: Pathogenic. Last evaluated: 2022-05-20. Review status: criteria provided, single submitter. Criteria: GeneDx Variant Classification Process June 2021. Collection method: clinical testing. Allele origin: germline. Affected: yes.
Comment: De novo variant with confirmed parentage; however, the reported clinical features are only partially consistent with the features typically observed in individuals with pathogenic variants in this gene; Not observed at significant frequency in large population cohorts (gnomAD); Nonsense variant predicted to result in protein truncation or nonsense mediated decay in a gene for which loss of function is a known mechanism of disease; This variant is associated with the following publications: (PMID: 26599395, 23913003)

OMIM
Classification: Pathogenic for PRIMARY FAMILIAL BRAIN CALCIFICATION 5, AUTOSOMAL DOMINANT. Last evaluated: 2011-09-01. Review status: no assertion criteria provided. Collection method: literature only. Allele origin: germline. Not counted in ClinVar's aggregate classification.

Literature cited by the submitters: PubMed 21409505 (cited by OMIM); Keller, A. Personal Communication. 2013. Zurich, Switzerland (cited by OMIM).